The following is an entry in ClinVar:

ClinVar aggregate classification (germline): Uncertain significance (1 of 4 stars; one submission).

Conditions:
Hermansky-Pudlak syndrome 2 (HPS2). Also called: Platelet defects and oculocutaneous albinism. Identifiers: Orphanet 183678, Orphanet 79430, MedGen C1842362, MONDO:0011997, OMIM 608233.

Allele frequency attached by ClinVar (database versions not stated): gnomAD exomes below 0.00001; ExAC 0.00001; gnomAD 0.00001 and 0.00002; TOPMed 0.00002; 1000 Genomes Project 0.00020; 1000 Genomes Project 30x 0.00047.

Submission:

Labcorp Genetics (formerly Invitae), Labcorp
Classification: Uncertain significance for Hermansky-Pudlak syndrome 2. Last evaluated: 2026-01-26. Review status: criteria provided, single submitter. Criteria: Invitae Variant Classification Sherloc (09022015). Collection method: clinical testing. Allele origin: germline.
Comment: This sequence change falls in intron 24 of the AP3B1 gene. It does not directly change the encoded amino acid sequence of the AP3B1 protein. It affects a nucleotide within the consensus splice site. This variant is present in population databases (rs544214699, gnomAD 0.007%). This variant has not been reported in the literature in individuals affected with AP3B1-related conditions. ClinVar contains an entry for this variant (Variation ID: 1051921). Variants that disrupt the consensus splice site are a relatively common cause of aberrant splicing (PMID: 17576681, 9536098). Algorithms developed to predict the effect of sequence changes on RNA splicing suggest that this variant is not likely to affect RNA splicing. In summary, the available evidence is currently insufficient to determine the role of this variant in disease. Therefore, it has been classified as a Variant of Uncertain Significance.

Literature cited by the submitters: PubMed 17576681; PubMed 9536098.

NM_003664.5(AP3B1):c.2894+4A>G

Gene: AP3B1 (adaptor related protein complex 3 subunit beta 1; minus strand). Cytogenetic location: 5q14.1.
Variant type: single nucleotide variant.
Coding change: c.2894+4A>G on transcript NM_003664.5 (MANE Select); 4 bases into the intron after coding-DNA position 2894, A replaced by G.
Molecular consequence: intron variant.
Genome position (GRCh38, 1-based): chr5:78,034,357, T>C on the plus strand (A>G on the coding strand, the complement: AP3B1 is on the minus strand). VCF-style: chr5-78034357-T-C. GRCh37 (hg19) VCF-style: chr5-77330181-T-C.
Other names: c.2747+4A>G (NM_001271769.2).
Identifiers: ClinVar variation 1051921 (VCV001051921.7), dbSNP rs544214699, ClinGen allele CA3316650.